The following is an entry in ClinVar:

ClinVar aggregate classification (germline): Conflicting classifications of pathogenicity. Review status: criteria provided, conflicting classifications (1 of 4 stars). 4 submissions from 4 submitters: Uncertain significance (1); Benign (1); Likely benign (2). Last evaluated 2024-12-10.

Conditions:
Developmental and epileptic encephalopathy, 54. Also called: HNRNPU-Related Neurodevelopmental Disorder; Epileptic encephalopathy, early infantile, 54. Identifiers: MedGen C4479319, MONDO:0033363, OMIM 617391.
Inborn genetic diseases. Identifiers: MedGen C0950123, MeSH D030342.

Allele frequency attached by ClinVar (database versions not stated): gnomAD 0.00003 and 0.00004; ExAC 0.00005; gnomAD exomes 0.00005 and 0.00008; TOPMed 0.00006.
gnomAD v4.1: 123 of 1,600,186 alleles (0.0077%); highest among the groups gnomAD compares: Non-Finnish European, 0.0097%; no homozygotes.

Submissions (4):

Labcorp Genetics (formerly Invitae), Labcorp
Classification: Benign for Developmental and epileptic encephalopathy, 54. Last evaluated: 2024-12-10. Review status: criteria provided, single submitter. Criteria: Invitae Variant Classification Sherloc (09022015). Collection method: clinical testing. Allele origin: germline.

Breda Genetics srl
Classification: Likely benign for Developmental and epileptic encephalopathy, 54. Last evaluated: 2022-07-15. Review status: criteria provided, single submitter. Criteria: ACMG Guidelines, 2015. Collection method: clinical testing. Allele origin: inherited. Inheritance: Autosomal dominant inheritance. Affected: yes. Observed: 1 variant allele, 1 heterozygote.
Comment: Based on allele frequency in the general population and on the segregation analysis, we interpreted this variant as likely benign.

Fulgent Genetics
Classification: Uncertain significance for Developmental and epileptic encephalopathy, 54. Last evaluated: 2018-10-31. Review status: criteria provided, single submitter. Criteria: ACMG Guidelines, 2015. Collection method: clinical testing. Allele origin: unknown.

Ambry Genetics
Classification: Likely benign for Inborn genetic diseases. Last evaluated: 2017-09-07. Review status: criteria provided, single submitter. Criteria: Ambry Variant Classification Scheme 2023. Collection method: clinical testing. Allele origin: germline.

NM_031844.3(HNRNPU):c.1081A>G (p.Ile361Val)

Gene: HNRNPU (heterogeneous nuclear ribonucleoprotein U; minus strand). Cytogenetic location: 1q44.
Variant type: single nucleotide variant.
Coding change: c.1081A>G on transcript NM_031844.3 (MANE Select); coding-DNA position 1081, A replaced by G.
Protein change: p.Ile361Val; replaces isoleucine 361 with valine.
Molecular consequence: missense variant.
Genome position (GRCh38, 1-based): chr1:244,859,311, T>C on the plus strand (A>G on the coding strand, the complement: HNRNPU is on the minus strand). VCF-style: chr1-244859311-T-C. GRCh37 (hg19) VCF-style: chr1-245022613-T-C.
Other names: c.1024A>G, p.Ile342Val (NM_004501.3); short protein forms I361V, I342V.
Identifiers: ClinVar variation 446396 (VCV000446396.13), dbSNP rs200962317, ClinGen allele CA1486578.